The following is an entry in ClinVar:

ClinVar aggregate classification (germline): Likely benign. Review status: criteria provided, single submitter (1 of 4 stars). 2 submissions from 2 submitters: Likely benign (1). 1 of the submissions does not count toward it. Last evaluated 2026-01-04.

Conditions:
Neuronal ceroid lipofuscinosis 13 (CLN13). Also called: CEROID LIPOFUSCINOSIS, NEURONAL, 13 (KUFS TYPE); CLN13 Disease. Identifiers: Orphanet 352709, Orphanet 79262, MedGen C3715049, MONDO:0014147, OMIM 615362.
CTSF-related disorder. Also called: CTSF-related condition.

Allele frequency attached by ClinVar (database versions not stated): gnomAD exomes 0.00003 and 0.00008; ExAC 0.00011; 1000 Genomes Project 30x 0.00016; gnomAD 0.00045 and 0.00050; TOPMed 0.00045.
gnomAD v4.1: 112 of 1,507,644 alleles (0.0074%); highest among the groups gnomAD compares: African/African-American, 0.13%; no homozygotes.

Submissions (2):

Labcorp Genetics (formerly Invitae), Labcorp
Classification: Likely benign for Neuronal ceroid lipofuscinosis 13. Last evaluated: 2026-01-04. Review status: criteria provided, single submitter. Criteria: Invitae Variant Classification Sherloc (09022015). Collection method: clinical testing. Allele origin: germline.

PreventionGenetics, part of Exact Sciences
Classification: Likely benign for CTSF-related condition. Last evaluated: 2019-07-31. Review status: no assertion criteria provided. Collection method: clinical testing. Allele origin: germline. Not counted in ClinVar's aggregate classification.
Comment: This variant is classified as likely benign based on ACMG/AMP sequence variant interpretation guidelines (Richards et al. 2015 PMID: 25741868, with internal and published modifications).

NM_003793.4(CTSF):c.213+7A>T

Gene: CTSF (cathepsin F; minus strand). Cytogenetic location: 11q13.2.
Variant type: single nucleotide variant.
Coding change: c.213+7A>T on transcript NM_003793.4 (MANE Select); 7 bases into the intron after coding-DNA position 213, A replaced by T.
Molecular consequence: intron variant.
Genome position (GRCh38, 1-based): chr11:66,568,267, T>A on the plus strand (A>T on the coding strand, the complement: CTSF is on the minus strand). VCF-style: chr11-66568267-T-A. GRCh37 (hg19) VCF-style: chr11-66335738-T-A.
Other names: c.213+7A>T (NM_003793.3).
Identifiers: ClinVar variation 1627835 (VCV001627835.10), dbSNP rs761072570, ClinGen allele CA6125697.
Genomic context (GRCh38, chr11:66,568,267, plus strand): 5'-AATGTTAGGTCAAAGCTCCTATCCCTTGGACCCGGGCCTGGCGCCCCCGCCCCCGGCGCG[T>A]CCTCACCCGGCGGACGCGGCCGCGCACAAGGCCCAGCACGGCCCGCGTCCCCGCAGCCCG-3'